The following is an entry in ClinVar:

NM_000094.4(COL7A1):c.7023G>A (p.Lys2341=)

Gene: COL7A1 (collagen type VII alpha 1 chain; minus strand). Cytogenetic location: 3p21.31.
Variant type: single nucleotide variant.
Coding change: c.7023G>A on transcript NM_000094.4 (MANE Select); coding-DNA position 7023, G replaced by A.
Protein change: p.Lys2341=; no amino-acid change (lysine 2341 retained).
Molecular consequence: synonymous variant.
Genome position (GRCh38, 1-based): chr3:48,572,127, C>T on the plus strand (G>A on the coding strand, the complement: COL7A1 is on the minus strand). VCF-style: chr3-48572127-C-T. GRCh37 (hg19) VCF-style: chr3-48609560-C-T.
Identifiers: ClinVar variation 2734507 (VCV002734507.3), dbSNP rs2530894922, ClinGen allele CA433535125.

ClinVar aggregate classification (germline): Pathogenic (1 of 4 stars; one submission).

Submission:

Labcorp Genetics (formerly Invitae), Labcorp
Classification: Pathogenic. Last evaluated: 2023-07-07. Review status: criteria provided, single submitter. Criteria: Invitae Variant Classification Sherloc (09022015). Collection method: clinical testing. Allele origin: germline.
Comment: For these reasons, this variant has been classified as Pathogenic. Variants that disrupt the consensus splice site are a relatively common cause of aberrant splicing (PMID: 17576681, 9536098). Algorithms developed to predict the effect of sequence changes on RNA splicing suggest that this variant may disrupt the consensus splice site. This variant has been observed in individual(s) with autosomal recessive dystrophic epidermolysis bullosa (PMID: 19681861, 33274474). This variant is not present in population databases (gnomAD no frequency). This sequence change affects codon 2341 of the COL7A1 mRNA. It is a 'silent' change, meaning that it does not change the encoded amino acid sequence of the COL7A1 protein. This variant also falls at the last nucleotide of exon 90, which is part of the consensus splice site for this exon.

Literature cited by the submitters: PubMed 17576681; PubMed 9536098; PubMed 19681861; PubMed 33274474.